The following is an entry in ClinVar:

NM_000060.4:c.743T>C

Variant type: single nucleotide variant.
Other names: c.743T>C (NM_000060.4).
Identifiers: ClinVar variation 4816048 (VCV004816048.1).

ClinVar aggregate classification (germline): Likely pathogenic (1 of 4 stars; one submission).

Conditions:
Biotinidase deficiency. Also called: BTD deficiency; Late-onset biotin-responsive multiple carboxylase deficiency; Biotin deficiency. Identifiers: Orphanet 79241, MedGen C0220754, MONDO:0009665, OMIM 253260.

Submission:

Natera, Inc.
Classification: Likely pathogenic for Biotinidase deficiency. Last evaluated: 2025-10-21. Review status: criteria provided, single submitter. Criteria: Natera Variant Classification Schema (03/2026). Collection method: clinical testing. Allele origin: germline.
Comment: The c.743T>C variant in BTD is a missense variant predicted to cause substitution of isoleucine to threonine at amino acid 248. This variant is rare in the general population with a frequency below the threshold expected for the associated phenotype(s). This variant has been observed in one or more individuals affected with the associated recessive disease, as either homozygous or compound heterozygous with a second variant (PMID: 22698809). Functional studies show that this variant may disrupt protein function (PMID: 22698809). Computational prediction algorithms indicate this variant is likely to affect gene or protein function. Given the available evidence, this variant is classified as Likely Pathogenic.

Literature cited by the submitters: PubMed 22698809.